The following is an entry in ClinVar:

ClinVar aggregate classification (germline): Benign/Likely benign. Review status: criteria provided, multiple submitters, no conflicts (2 of 4 stars). 4 submissions from 4 submitters: Benign (2); Likely benign (2). Last evaluated 2026-01-11.

Conditions:
Age related macular degeneration 1 (ARMD1). Also called: MACULOPATHY, AGE-RELATED, 1. Identifiers: MedGen C1864205, MONDO:0011285, OMIM 603075.

Allele frequency attached by ClinVar (database versions not stated): 1000 Genomes Project 30x 0.00047; ESP Exome Variant Server 0.00054; TOPMed 0.00058; 1000 Genomes Project 0.00060; gnomAD exomes 0.00155; gnomAD 0.00252 and 0.00272.
gnomAD v4.1: 2,628 of 1,612,550 alleles (0.16%); highest among the groups gnomAD compares: Non-Finnish European, 0.1%; 18 homozygotes.

Submissions (4):

Labcorp Genetics (formerly Invitae), Labcorp
Classification: Benign. Last evaluated: 2026-01-11. Review status: criteria provided, single submitter. Criteria: Invitae Variant Classification Sherloc (09022015). Collection method: clinical testing. Allele origin: germline.

Genome-Nilou Lab
Classification: Benign for Age related macular degeneration 1. Last evaluated: 2023-04-11. Review status: criteria provided, single submitter. Criteria: ACMG Guidelines, 2015. Collection method: clinical testing. Allele origin: germline. Affected: no.

CeGaT Center for Human Genetics Tuebingen
Classification: Likely benign. Last evaluated: 2023-01-01. Review status: criteria provided, single submitter. Criteria: CeGaT Center For Human Genetics Tuebingen Variant Classification Criteria Version 2. Collection method: clinical testing. Allele origin: germline. Affected: yes. Observed: 1 variant allele.
Comment: HMCN1: BP4, BP7, BS2

Illumina Laboratory Services, Illumina
Classification: Likely benign for Age related macular degeneration 1. Last evaluated: 2018-01-12. Review status: criteria provided, single submitter. Criteria: ICSL Variant Classification Criteria 13 December 2019. Collection method: clinical testing. Allele origin: germline.
Comment: This variant was observed in the ICSL laboratory as part of a predisposition screen in an ostensibly healthy population. It had not been previously curated by ICSL or reported in the Human Gene Mutation Database (HGMD: prior to June 1st, 2018), and was therefore a candidate for classification through an automated scoring system. Utilizing variant allele frequency, disease prevalence and penetrance estimates, and inheritance mode, an automated score was calculated to assess if this variant is too frequent to cause the disease. Based on the score and internal cut-off values, a variant classified as likely benign is not then subjected to further curation. The score for this variant resulted in a classification of likely benign for this disease.

NM_031935.3(HMCN1):c.6708A>G (p.Pro2236=)

Gene: HMCN1 (hemicentin 1; plus strand). Cytogenetic location: 1q31.1.
Variant type: single nucleotide variant.
Coding change: c.6708A>G on transcript NM_031935.3 (MANE Select); coding-DNA position 6708, A replaced by G.
Protein change: p.Pro2236=; no amino-acid change (proline 2236 retained).
Molecular consequence: synonymous variant.
Genome position (GRCh38, 1-based): chr1:186,053,832, A>G. VCF-style: chr1-186053832-A-G. GRCh37 (hg19) VCF-style: chr1-186022964-A-G.
Identifiers: ClinVar variation 294175 (VCV000294175.36), dbSNP rs144191448, ClinGen allele CA1292653.
Genomic context (GRCh38, chr1:186,053,832, plus strand): 5'-ACAAAATGCTTTACATTTCTGCCTCATATTCTGCCATTTGGACTTCTTTGTAGGCTCTCC[A>G]GTGCTGACTGATTCCATGGGGCGAGTTAGAATTTTATCTGGGGGCAGGCAATTACAAATT-3'
Protein context (NP_114141.2, residues 2226-2246): PNLIWKKKGS[Pro2236=]VLTDSMGRVR